The following is an entry in ClinVar:

ClinVar aggregate classification (germline): Uncertain significance. Review status: criteria provided, multiple submitters, no conflicts (2 of 4 stars). 2 submissions from 2 submitters: Uncertain significance (2). Last evaluated 2024-04-02.

Conditions:
Inborn genetic diseases. Identifiers: MedGen C0950123, MeSH D030342.

Allele frequency attached by ClinVar (database versions not stated): ExAC 0.00001; gnomAD 0.00001; gnomAD exomes 0.00002; TOPMed 0.00002.
gnomAD v4.1: 26 of 1,583,460 alleles (0.0016%); highest among the groups gnomAD compares: South Asian, 0.0022%; 1 homozygote.

Submissions (2):

Labcorp Genetics (formerly Invitae), Labcorp
Classification: Uncertain significance. Last evaluated: 2024-04-02. Review status: criteria provided, single submitter. Criteria: Invitae Variant Classification Sherloc (09022015). Collection method: clinical testing. Allele origin: germline.
Comment: This sequence change replaces isoleucine, which is neutral and non-polar, with threonine, which is neutral and polar, at codon 539 of the GUCY2C protein (p.Ile539Thr). This variant is present in population databases (rs746530321, gnomAD 0.007%). This variant has not been reported in the literature in individuals affected with GUCY2C-related conditions. ClinVar contains an entry for this variant (Variation ID: 1017083). Advanced modeling of protein sequence and biophysical properties (such as structural, functional, and spatial information, amino acid conservation, physicochemical variation, residue mobility, and thermodynamic stability) performed at Invitae indicates that this missense variant is not expected to disrupt GUCY2C protein function with a negative predictive value of 80%. In summary, the available evidence is currently insufficient to determine the role of this variant in disease. Therefore, it has been classified as a Variant of Uncertain Significance.

Ambry Genetics
Classification: Uncertain significance for Inborn genetic diseases. Last evaluated: 2023-03-13. Review status: criteria provided, single submitter. Criteria: Ambry Variant Classification Scheme 2023. Collection method: clinical testing. Allele origin: germline.

NM_004963.4(GUCY2C):c.1616T>C (p.Ile539Thr)

Gene: GUCY2C (guanylate cyclase 2C; minus strand). Cytogenetic location: 12p12.3.
Variant type: single nucleotide variant.
Coding change: c.1616T>C on transcript NM_004963.4 (MANE Select); coding-DNA position 1616, T replaced by C.
Protein change: p.Ile539Thr; replaces isoleucine 539 with threonine.
Molecular consequence: missense variant.
Genome position (GRCh38, 1-based): chr12:14,651,501, A>G on the plus strand (T>C on the coding strand, the complement: GUCY2C is on the minus strand). VCF-style: chr12-14651501-A-G. GRCh37 (hg19) VCF-style: chr12-14804435-A-G.
Other names: c.1616T>C (NM_004963.3); short protein forms I539T.
Identifiers: ClinVar variation 1017083 (VCV001017083.10), dbSNP rs746530321, ClinGen allele CA6463335.